The following is an entry in ClinVar:

NM_021738.3(SVIL):c.660G>A (p.Leu220=)

Gene: SVIL (supervillin; minus strand). Cytogenetic location: 10p11.23.
Variant type: single nucleotide variant.
Coding change: c.660G>A on transcript NM_021738.3 (MANE Select); coding-DNA position 660, G replaced by A.
Protein change: p.Leu220=; no amino-acid change (leucine 220 retained).
Molecular consequence: synonymous variant.
Genome position (GRCh38, 1-based): chr10:29,550,764, C>T on the plus strand (G>A on the coding strand, the complement: SVIL is on the minus strand). VCF-style: chr10-29550764-C-T. GRCh37 (hg19) VCF-style: chr10-29839693-C-T.
Other names: c.660G>A, p.Leu220= (NM_001323599.2, NM_001323600.1, NM_003174.3).
Identifiers: ClinVar variation 4083868 (VCV004083868.8).

ClinVar aggregate classification (germline): Likely benign (1 of 4 stars; one submission).

gnomAD v4.1: 3,071 of 1,614,152 alleles (0.19%); highest among the groups gnomAD compares: Non-Finnish European, 0.25%; 5 homozygotes.

Submission:

CeGaT Center for Human Genetics Tuebingen
Classification: Likely benign. Last evaluated: 2026-04-01. Review status: criteria provided, single submitter. Criteria: CeGaT Center For Human Genetics Tuebingen Variant Classification Criteria Version 2. Collection method: clinical testing. Allele origin: germline. Affected: yes. Observed: 3 variant alleles.
Comment: SVIL: BP4, BP7